The following is an entry in ClinVar:

NM_002227.4(JAK1):c.287C>T (p.Thr96Ile)

Gene: JAK1 (Janus kinase 1; minus strand). Cytogenetic location: 1p31.3.
Variant type: single nucleotide variant.
Coding change: c.287C>T on transcript NM_002227.4 (MANE Select); coding-DNA position 287, C replaced by T.
Protein change: p.Thr96Ile; replaces threonine 96 with isoleucine.
Molecular consequence: missense variant.
Genome position (GRCh38, 1-based): chr1:64,879,067, G>A on the plus strand (C>T on the coding strand, the complement: JAK1 is on the minus strand). VCF-style: chr1-64879067-G-A. GRCh37 (hg19) VCF-style: chr1-65344750-G-A.
Other names: c.287C>T, p.Thr96Ile (NM_001320923.2, NM_001321852.2, NM_001321853.2 and 4 more transcripts); short protein forms T96I.
Identifiers: ClinVar variation 1005219 (VCV001005219.7), dbSNP rs1265709653, ClinGen allele CA340678899.
Genomic context (GRCh38, chr1:64,879,067, plus strand): 5'-GGTCAGTACTTCCCATACCTCATCCGGTAGTGGAGCCGGAGGGACATCTTGTCATCAACG[G>A]TGATGGTGCGATTTGGAGCATACCAGAGCTTGGTGTTCTCGTCATACAGGGCAAAGAGGT-3'
Protein context (NP_002218.2, residues 86-106): KLWYAPNRTI[Thr96Ile]VDDKMSLRLH

ClinVar aggregate classification (germline): Uncertain significance (1 of 4 stars; one submission).

Allele frequency attached by ClinVar (database versions not stated): TOPMed 0.00001.

Submission:

Labcorp Genetics (formerly Invitae), Labcorp
Classification: Uncertain significance. Last evaluated: 2023-08-27. Review status: criteria provided, single submitter. Criteria: Invitae Variant Classification Sherloc (09022015). Collection method: clinical testing. Allele origin: germline.
Comment: This sequence change replaces threonine, which is neutral and polar, with isoleucine, which is neutral and non-polar, at codon 96 of the JAK1 protein (p.Thr96Ile). This variant is not present in population databases (gnomAD no frequency). This variant has not been reported in the literature in individuals affected with JAK1-related conditions. ClinVar contains an entry for this variant (Variation ID: 1005219). Advanced modeling of protein sequence and biophysical properties (such as structural, functional, and spatial information, amino acid conservation, physicochemical variation, residue mobility, and thermodynamic stability) performed at Invitae indicates that this missense variant is not expected to disrupt JAK1 protein function. In summary, the available evidence is currently insufficient to determine the role of this variant in disease. Therefore, it has been classified as a Variant of Uncertain Significance.